The following is an entry in ClinVar:

ClinVar aggregate classification (germline): Uncertain significance (1 of 4 stars; one submission).

Conditions:
Fanconi anemia (FA). Also called: Fanconi's anemia. Identifiers: Orphanet 84, MedGen C0015625, MeSH D005199, MONDO:0019391.

Submission:

Labcorp Genetics (formerly Invitae), Labcorp
Classification: Uncertain significance for Fanconi anemia. Last evaluated: 2019-05-16. Review status: criteria provided, single submitter. Criteria: Invitae Variant Classification Sherloc (09022015). Collection method: clinical testing. Allele origin: germline.
Comment: This sequence change replaces proline with histidine at codon 1677 of the SLX4 protein (p.Pro1677His). The proline residue is weakly conserved and there is a moderate physicochemical difference between proline and histidine. This variant is not present in population databases (ExAC no frequency). This variant has not been reported in the literature in individuals with SLX4-related conditions. Algorithms developed to predict the effect of missense changes on protein structure and function output the following: SIFT: "Deleterious"; PolyPhen-2: "Benign"; Align-GVGD: "Class C0". The histidine amino acid residue is found in multiple mammalian species, suggesting that this missense change does not adversely affect protein function. These predictions have not been confirmed by published functional studies and their clinical significance is uncertain. In summary, the available evidence is currently insufficient to determine the role of this variant in disease. Therefore, it has been classified as a Variant of Uncertain Significance.

NM_032444.4(SLX4):c.5030C>A (p.Pro1677His)

Gene: SLX4 (SLX4 structure-specific endonuclease subunit; minus strand). Cytogenetic location: 16p13.3.
Variant type: single nucleotide variant.
Coding change: c.5030C>A on transcript NM_032444.4 (MANE Select); coding-DNA position 5030, C replaced by A.
Protein change: p.Pro1677His; replaces proline 1677 with histidine.
Molecular consequence: missense variant.
Genome position (GRCh38, 1-based): chr16:3,583,220, G>T on the plus strand (C>A on the coding strand, the complement: SLX4 is on the minus strand). VCF-style: chr16-3583220-G-T. GRCh37 (hg19) VCF-style: chr16-3633221-G-T.
Other names: short protein forms P1677H.
Identifiers: ClinVar variation 847627 (VCV000847627.9), dbSNP rs2040462734, ClinGen allele CA394514707.